The following is an entry in ClinVar:

ClinVar aggregate classification (germline): Uncertain significance (0 of 4 stars; one submission).

Conditions:
PLXNA1-related disorder. Also called: PLXNA1-related condition.

Submission:

PreventionGenetics, part of Exact Sciences
Classification: Uncertain significance for PLXNA1-related condition. Last evaluated: 2024-09-25. Review status: no assertion criteria provided. Collection method: clinical testing. Allele origin: germline.
Comment: The PLXNA1 c.332C>G variant is predicted to result in the amino acid substitution p.Thr111Ser. To our knowledge, this variant has not been reported in the literature or in a large population database, indicating this variant is rare. At this time, the clinical significance of this variant is uncertain due to the absence of conclusive functional and genetic evidence.

NM_032242.4(PLXNA1):c.332C>G (p.Thr111Ser)

Gene: PLXNA1 (plexin A1; plus strand). Cytogenetic location: 3q21.3.
Variant type: single nucleotide variant.
Coding change: c.332C>G on transcript NM_032242.4 (MANE Select); coding-DNA position 332, C replaced by G.
Protein change: p.Thr111Ser; replaces threonine 111 with serine.
Molecular consequence: missense variant.
Genome position (GRCh38, 1-based): chr3:126,988,925, C>G. VCF-style: chr3-126988925-C-G. GRCh37 (hg19) VCF-style: chr3-126707768-C-G.
Other names: short protein forms T111S.
Identifiers: ClinVar variation 3347118 (VCV003347118.1).